The following is an entry in ClinVar:

ClinVar aggregate classification (germline): Uncertain significance. Review status: criteria provided, multiple submitters, no conflicts (2 of 4 stars). 2 submissions from 2 submitters: Uncertain significance (2). Last evaluated 2025-01-21.

Conditions:
Hereditary spastic paraplegia 3A (SPG3A). Also called: SPASTIC PARAPLEGIA 3, AUTOSOMAL DOMINANT; FAMILIAL SPASTIC PARAPLEGIA, AUTOSOMAL DOMINANT, 1; SPG3; STRUMPELL DISEASE; Spastic Paraplegia 3A; Spastic paraplegia 3A, autosomal dominant. Identifiers: Orphanet 100984, MedGen C2931355, MONDO:0008437, OMIM 182600.

Submissions (2):

GeneDx
Classification: Uncertain significance. Last evaluated: 2025-01-21. Review status: criteria provided, single submitter. Criteria: GeneDx Variant Classification Process June 2021. Collection method: clinical testing. Allele origin: germline. Affected: yes.
Comment: Not observed at significant frequency in large population cohorts (gnomAD); In silico analysis supports that this missense variant has a deleterious effect on protein structure/function; Has not been previously published as pathogenic or benign to our knowledge; This variant is associated with the following publications: (PMID: 23334294)

Labcorp Genetics (formerly Invitae), Labcorp
Classification: Uncertain significance for Hereditary spastic paraplegia 3A. Last evaluated: 2022-08-10. Review status: criteria provided, single submitter. Criteria: Invitae Variant Classification Sherloc (09022015). Collection method: clinical testing. Allele origin: germline.
Comment: This sequence change replaces glutamine, which is neutral and polar, with histidine, which is basic and polar, at codon 180 of the ATL1 protein (p.Gln180His). Algorithms developed to predict the effect of missense changes on protein structure and function are either unavailable or do not agree on the potential impact of this missense change (SIFT: "Deleterious"; PolyPhen-2: "Benign"; Align-GVGD: "Class C15"). ClinVar contains an entry for this variant (Variation ID: 644409). This variant has not been reported in the literature in individuals affected with ATL1-related conditions. This variant is not present in population databases (gnomAD no frequency). In summary, the available evidence is currently insufficient to determine the role of this variant in disease. Therefore, it has been classified as a Variant of Uncertain Significance.

NM_015915.5(ATL1):c.540A>C (p.Gln180His)

Gene: ATL1 (atlastin GTPase 1; plus strand). Cytogenetic location: 14q22.1.
Variant type: single nucleotide variant.
Coding change: c.540A>C on transcript NM_015915.5 (MANE Select); coding-DNA position 540, A replaced by C.
Protein change: p.Gln180His; replaces glutamine 180 with histidine.
Molecular consequence: missense variant.
Genome position (GRCh38, 1-based): chr14:50,593,863, A>C. VCF-style: chr14-50593863-A-C. GRCh37 (hg19) VCF-style: chr14-51060581-A-C.
Other names: c.540A>C, p.Gln180His (NM_001127713.1, NM_181598.4); short protein forms Q180H.
Identifiers: ClinVar variation 644409 (VCV000644409.11), dbSNP rs1595602064, ClinGen allele CA389668106.